The following is an entry in ClinVar:

NM_199420.4(POLQ):c.6896T>C (p.Met2299Thr)

Gene: POLQ (DNA polymerase theta; minus strand). Cytogenetic location: 3q13.33.
Variant type: single nucleotide variant.
Coding change: c.6896T>C on transcript NM_199420.4 (MANE Select); coding-DNA position 6896, T replaced by C.
Protein change: p.Met2299Thr; replaces methionine 2299 with threonine.
Molecular consequence: missense variant.
Genome position (GRCh38, 1-based): chr3:121,467,590, A>G on the plus strand (T>C on the coding strand, the complement: POLQ is on the minus strand). VCF-style: chr3-121467590-A-G. GRCh37 (hg19) VCF-style: chr3-121186437-A-G.
Other names: short protein forms M2299T.
Identifiers: ClinVar variation 2449428 (VCV002449428.2), dbSNP rs1425042822, ClinGen allele CA354110337.
Genomic context (GRCh38, chr3:121,467,590, plus strand): 5'-ACAAAGGCATGTCGCATGCTAATTGAAAATGGCATTCCTCTGTCTGCAGCTCTCTCCTCC[A>G]TCTGTGCCTGGCATCTAGGATTCACGCTGAAACCCTTCTTATATTTTCCTCTGTGGTGCA-3'
Protein context (NP_955452.3, residues 2289-2309): FSVNPRCQAQ[Met2299Thr]EERAADRGMP

ClinVar aggregate classification (germline): Uncertain significance (1 of 4 stars; one submission).

Allele frequency attached by ClinVar (database versions not stated): gnomAD 0.00001.
gnomAD v4.1: 1 of 1,613,694 alleles (0.000062%); highest among the groups gnomAD compares: African/African-American, 0.0013%; no homozygotes.

Submission:

Ambry Genetics
Classification: Uncertain significance. Last evaluated: 2023-02-10. Review status: criteria provided, single submitter. Criteria: Ambry Variant Classification Scheme 2023. Collection method: clinical testing. Allele origin: germline.
Comment: The p.M2299T variant (also known as c.6896T>C), located in coding exon 24 of the POLQ gene, results from a T to C substitution at nucleotide position 6896. The methionine at codon 2299 is replaced by threonine, an amino acid with similar properties. This amino acid position is conserved. In addition, this alteration is predicted to be tolerated by in silico analysis. Since supporting evidence is limited at this time, the clinical significance of this alteration remains unclear.